The following is an entry in ClinVar:

NM_001048174.2(MUTYH):c.1016C>T (p.Pro339Leu)

Gene: MUTYH (mutY DNA glycosylase; minus strand). Cytogenetic location: 1p34.1.
Variant type: single nucleotide variant.
Coding change: c.1016C>T on transcript NM_001048174.2 (MANE Select); coding-DNA position 1016, C replaced by T.
Protein change: p.Pro339Leu; replaces proline 339 with leucine.
Molecular consequence: missense variant. On other transcripts: non-coding transcript variant (2).
Genome position (GRCh38, 1-based): chr1:45,331,747, G>A on the plus strand (C>T on the coding strand, the complement: MUTYH is on the minus strand). VCF-style: chr1-45331747-G-A. GRCh37 (hg19) VCF-style: chr1-45797419-G-A.
Other names: c.1016C>T, p.Pro339Leu (NM_001048171.2, NM_001048173.2, NM_001293195.2); c.1019C>T, p.Pro340Leu (NM_001048172.2); c.1100C>T, p.Pro367Leu (NM_001128425.2); c.1061C>T, p.Pro354Leu (NM_001293190.2); c.1049C>T, p.Pro350Leu (NM_001293191.2); c.740C>T, p.Pro247Leu (NM_001293192.2, NM_001293196.2); c.671C>T, p.Pro224Leu (NM_001350650.2, NM_001350651.2); c.1091C>T, p.Pro364Leu (NM_012222.3); short protein forms P339L, P340L, P350L, P354L, P367L, P247L, P224L, P364L.
Identifiers: ClinVar variation 926217 (VCV000926217.17), dbSNP rs764941200, ClinGen allele CA055078.
Genomic context (GRCh38, chr1:45,331,747, plus strand): 5'-ATTTGGGCCCCAAGGGCCCCAGGCTGTTCCAGAACACAGGTGGCAGAGCTCTCCTCCCTG[G>A]GGGGCTTGCGGCTGGCCTTTCTGGGGAAGTTGACCACTCCCAGGGTCTGGTCCCAGGGCT-3'
Protein context (NP_001041639.1, residues 329-349): NFPRKASRKP[Pro339Leu]REESSATCVL

ClinVar aggregate classification (germline): Conflicting classifications of pathogenicity. Review status: criteria provided, conflicting classifications (1 of 4 stars). 6 submissions from 6 submitters: Uncertain significance (5); Benign (1). Last evaluated 2025-09-09.

Conditions:
Hereditary cancer-predisposing syndrome. Also called: Tumor predisposition; Neoplastic Syndromes, Hereditary; Hereditary neoplastic syndrome; Hereditary Cancer Syndrome. Identifiers: Orphanet 140162, MedGen C0027672, MeSH D009386, MONDO:0015356.
Familial adenomatous polyposis 2. Also called: MUTYH Polyposis; Adenomas, multiple colorectal; MYH-associated polyposis; FAP type 2; MUTYH-associated polyposis; COLORECTAL ADENOMATOUS POLYPOSIS, AUTOSOMAL RECESSIVE. Identifiers: Orphanet 220460, Orphanet 247798, MedGen C3272841, MONDO:0012041, OMIM 608456.
Gastric cancer. Also called: Stomach cancer; Malignant tumor of stomach. Identifiers: MedGen C0024623, MeSH D013274, MONDO:0001056, OMIM 613659, HP:0012126.

Allele frequency attached by ClinVar (database versions not stated): gnomAD exomes below 0.00001; ExAC 0.00001.

Submissions (6):

Ambry Genetics
Classification: Benign for Hereditary cancer-predisposing syndrome. Last evaluated: 2025-09-09. Review status: criteria provided, single submitter. Criteria: Ambry Variant Classification Scheme 2023. Collection method: clinical testing. Allele origin: germline.

Fulgent Genetics
Classification: Uncertain significance for Familial adenomatous polyposis 2; Gastric cancer. Last evaluated: 2024-06-13. Review status: criteria provided, single submitter. Criteria: ACMG Guidelines, 2015. Collection method: clinical testing. Allele origin: germline.

All of Us Research Program, National Institutes of Health
Classification: Uncertain significance for Familial adenomatous polyposis 2. Last evaluated: 2024-05-14. Review status: criteria provided, single submitter. Criteria: ACMG Guidelines, 2015. Collection method: clinical testing. Allele origin: germline. Inheritance: Autosomal recessive inheritance. Observed: 1 variant allele, 1 heterozygote.
Comment: This missense variant replaces proline with leucine at codon 367 of the MUTYH protein. Computational prediction tool suggests that this variant may not impact protein structure and function (internally defined REVEL score threshold <= 0.5, PMID: 27666373). Splice site prediction tools suggest that this variant may not impact RNA splicing. To our knowledge, functional studies have not been performed for this variant. This variant has not been reported in individuals affected with hereditary cancer in the literature. This variant has been identified in 1/250104 chromosomes in the general population by the Genome Aggregation Database (gnomAD). The available evidence is insufficient to determine the role of this variant in disease conclusively. Therefore, this variant is classified as a Variant of Uncertain Significance.

This study involves interpretation of variants in research participants for the purpose of population health screening. Participant phenotype was not available at the time of variant classification. Additional details can be found in publication PMID: 35346344, PMCID: PMC8962531

Color Diagnostics, LLC DBA Color Health
Classification: Uncertain significance for Hereditary cancer-predisposing syndrome. Last evaluated: 2024-03-06. Review status: criteria provided, single submitter. Criteria: ACMG Guidelines, 2015. Collection method: clinical testing. Allele origin: germline.
Comment: This missense variant replaces proline with leucine at codon 367 of the MUTYH protein. Computational prediction tool suggests that this variant may not impact protein structure and function (internally defined REVEL score threshold <= 0.5, PMID: 27666373). Splice site prediction tools suggest that this variant may not impact RNA splicing. To our knowledge, functional studies have not been performed for this variant. This variant has not been reported in individuals affected with hereditary cancer in the literature. This variant has been identified in 1/250104 chromosomes in the general population by the Genome Aggregation Database (gnomAD). The available evidence is insufficient to determine the role of this variant in disease conclusively. Therefore, this variant is classified as a Variant of Uncertain Significance.

Labcorp Genetics (formerly Invitae), Labcorp
Classification: Uncertain significance for Familial adenomatous polyposis 2. Last evaluated: 2024-01-29. Review status: criteria provided, single submitter. Criteria: Invitae Variant Classification Sherloc (09022015). Collection method: clinical testing. Allele origin: germline.
Comment: This sequence change replaces proline, which is neutral and non-polar, with leucine, which is neutral and non-polar, at codon 367 of the MUTYH protein (p.Pro367Leu). This variant is present in population databases (rs764941200, gnomAD 0.0009%). This variant has not been reported in the literature in individuals affected with MUTYH-related conditions. ClinVar contains an entry for this variant (Variation ID: 926217). An algorithm developed to predict the effect of missense changes on protein structure and function (PolyPhen-2) suggests that this variant is likely to be tolerated. In summary, the available evidence is currently insufficient to determine the role of this variant in disease. Therefore, it has been classified as a Variant of Uncertain Significance.

Blueprint Genetics
Classification: Uncertain significance. Last evaluated: 2023-04-17. Review status: criteria provided, single submitter. Criteria: ACMG Guidelines, 2015. Collection method: clinical testing. Allele origin: germline.

Literature cited by the submitters: PubMed 40738107 (cited by Ambry Genetics).